The following is an entry in ClinVar:

ClinVar aggregate classification (germline): Uncertain significance (1 of 4 stars; one submission).

Conditions:
Arrhythmogenic right ventricular dysplasia 5. Also called: Arrhythmogenic Right Ventricular Dysplasia/Cardiomyopathy 5; ARRHYTHMOGENIC RIGHT VENTRICULAR DYSPLASIA, FAMILIAL, 5. Identifiers: MedGen C1858379, MONDO:0011459, OMIM 604400.

Submission:

Victorian Clinical Genetics Services, Murdoch Childrens Research Institute
Classification: Uncertain significance for Arrhythmogenic right ventricular dysplasia 5. Last evaluated: 2026-07-15. Review status: criteria provided, single submitter. Criteria: ACMG Guidelines, 2015. Collection method: clinical testing. Allele origin: germline. Affected: yes.
Comment: This variant is classified as VUS-3B. Evidence in support of pathogenic classification: This variant is absent from gnomAD v4. Additional information: This variant is predicted to result in a missense amino acid change from Glu to Asp; This variant is heterozygous; This gene is associated with autosomal dominant disease; Alternative amino acid change(s) at the same position are present in gnomAD (highest allele count: v4: 1 heterozygote(s), 0 homozygote(s)); This variant has no previous evidence of pathogenicity; No published evidence of segregation with disease has been identified for this variant; No published functional evidence has been identified for this variant; Another variant(s) comparable to the one identified in this case has inconclusive previous evidence for pathogenicity. p.(Glu300Gly) has been classified once as a VUS by a clinical laboratory in ClinVar; Variant is located in the annotated TMEM43 domain (DECIPHER); Missense variant with inconclusive in silico prediction(s) and/or uninformative conservation; The mechanism of disease for this gene is not clearly established. Loss of function is a suspected mechanism (PMID: 25343256); Inheritance information for this variant is not currently available in this individual.

Literature cited by the submitters: PubMed 25343256.

NM_024334.3(TMEM43):c.900A>T (p.Glu300Asp)

Gene: TMEM43 (transmembrane protein 43; plus strand). Cytogenetic location: 3p25.1.
Variant type: single nucleotide variant.
Coding change: c.900A>T on transcript NM_024334.3 (MANE Select); coding-DNA position 900, A replaced by T.
Protein change: p.Glu300Asp; replaces glutamic acid 300 with aspartic acid.
Molecular consequence: missense variant.
Genome position (GRCh38, 1-based): chr3:14,139,197, A>T. VCF-style: chr3-14139197-A-T. GRCh37 (hg19) VCF-style: chr3-14180697-A-T.
Other names: c.903A>T, p.Glu301Asp (NM_001407274.1); c.897A>T, p.Glu299Asp (NM_001407275.1, NM_001407276.1); c.894A>T, p.Glu298Asp (NM_001407277.1); c.885A>T, p.Glu295Asp (NM_001407278.1); c.825A>T, p.Glu275Asp (NM_001407279.1); c.750A>T, p.Glu250Asp (NM_001407280.1); short protein forms E250D, E275D, E295D, E298D, E299D, E300D, E301D.
Identifiers: ClinVar variation 4879702 (VCV004879702.1).